The following is an entry in ClinVar:

ClinVar aggregate classification (germline): Uncertain significance. Review status: criteria provided, multiple submitters, no conflicts (2 of 4 stars). 2 submissions from 2 submitters: Uncertain significance (2). Last evaluated 2025-03-06.

Conditions:
Familial thoracic aortic aneurysm and aortic dissection (TAAD). Also called: Thoracic aortic aneurysms and dissections. Identifiers: Orphanet 91387, MedGen C4707243, MONDO:0019625.
Ehlers-Danlos syndrome, classic type, 1 (EDSCL1). Also called: EHLERS-DANLOS SYNDROME, GRAVIS TYPE; EHLERS-DANLOS SYNDROME, SEVERE CLASSIC TYPE; EDS I; Ehlers-Danlos Syndrome, Classic Type, COL5A1-Related; Ehlers-Danlos syndrome, type 1. Identifiers: MedGen C0268335, MONDO:0019567, OMIM 130000.

Allele frequency attached by ClinVar (database versions not stated): gnomAD exomes below 0.00001; ExAC 0.00001; gnomAD 0.00001; ESP Exome Variant Server 0.00008; TOPMed 0.00001.
gnomAD v4.1: 3 of 1,614,074 alleles (0.00019%); highest among the groups gnomAD compares: Non-Finnish European, 0.00025%; no homozygotes.

Submissions (2):

Ambry Genetics
Classification: Uncertain significance for Familial thoracic aortic aneurysm and aortic dissection. Last evaluated: 2025-03-06. Review status: criteria provided, single submitter. Criteria: Ambry Variant Classification Scheme 2023. Collection method: clinical testing. Allele origin: germline.
Comment: The p.P1833S variant (also known as c.5497C>T), located in coding exon 66 of the COL5A1 gene, results from a C to T substitution at nucleotide position 5497. The proline at codon 1833 is replaced by serine, an amino acid with similar properties. This amino acid position is highly conserved in available vertebrate species. In addition, this alteration is predicted to be deleterious by in silico analysis. Based on the available evidence, the clinical significance of this variant remains unclear.

Labcorp Genetics (formerly Invitae), Labcorp
Classification: Uncertain significance for Ehlers-Danlos syndrome, classic type, 1. Last evaluated: 2025-01-28. Review status: criteria provided, single submitter. Criteria: Invitae Variant Classification Sherloc (09022015). Collection method: clinical testing. Allele origin: germline.
Comment: This sequence change replaces proline, which is neutral and non-polar, with serine, which is neutral and polar, at codon 1833 of the COL5A1 protein (p.Pro1833Ser). This variant is present in population databases (rs370789226, gnomAD 0.0009%). This variant has not been reported in the literature in individuals affected with COL5A1-related conditions. ClinVar contains an entry for this variant (Variation ID: 459716). Invitae Evidence Modeling of protein sequence and biophysical properties (such as structural, functional, and spatial information, amino acid conservation, physicochemical variation, residue mobility, and thermodynamic stability) indicates that this missense variant is not expected to disrupt COL5A1 protein function with a negative predictive value of 80%. In summary, the available evidence is currently insufficient to determine the role of this variant in disease. Therefore, it has been classified as a Variant of Uncertain Significance.

NM_000093.5(COL5A1):c.5497C>T (p.Pro1833Ser)

Genes: COL5A1 (collagen type V alpha 1 chain; plus strand), LOC101448202 (uncharacterized LOC101448202; minus strand). Cytogenetic location: 9q34.3.
Variant type: single nucleotide variant.
Coding change: c.5497C>T on transcript NM_000093.5 (MANE Select); coding-DNA position 5497, C replaced by T.
Protein change: p.Pro1833Ser; replaces proline 1833 with serine.
Molecular consequence: missense variant.
Genome position (GRCh38, 1-based): chr9:134,842,283, C>T. VCF-style: chr9-134842283-C-T. GRCh37 (hg19) VCF-style: chr9-137734129-C-T.
Other names: c.5497C>T, p.Pro1833Ser (NM_001278074.1); c.5497C>T (NM_000093.3); short protein forms P1833S.
Identifiers: ClinVar variation 459716 (VCV000459716.11), dbSNP rs370789226, ClinGen allele CA5320758.